The following is an entry in ClinVar:

ClinVar aggregate classification (germline): Uncertain significance (1 of 4 stars; one submission).

gnomAD v4.1: 1 of 1,211,566 alleles (0.000083%); highest among the groups gnomAD compares: Non-Finnish European, 0.00011%; no homozygotes.

Submission:

GeneDx
Classification: Uncertain significance. Last evaluated: 2024-05-30. Review status: criteria provided, single submitter. Criteria: GeneDx Variant Classification Process June 2021. Collection method: clinical testing. Allele origin: germline. Affected: yes.
Comment: Not observed at significant frequency in large population cohorts (gnomAD); In silico analysis indicates that this missense variant does not alter protein structure/function; Has not been previously published as pathogenic or benign to our knowledge

NM_001099922.3(ALG13):c.596C>A (p.Pro199His)

Gene: ALG13 (ALG13 UDP-N-acetylglucosaminyltransferase subunit; plus strand). Cytogenetic location: Xq23.
Variant type: single nucleotide variant.
Coding change: c.596C>A on transcript NM_001099922.3 (MANE Select); coding-DNA position 596, C replaced by A.
Protein change: p.Pro199His; replaces proline 199 with histidine.
Molecular consequence: missense variant. On other transcripts: non-coding transcript variant (1).
Genome position (GRCh38, 1-based): chrX:111,708,239, C>A. VCF-style: chrX-111708239-C-A. GRCh37 (hg19) VCF-style: chrX-110951467-C-A.
Other names: c.362C>A, p.Pro121His (NM_001257231.2); c.284C>A, p.Pro95His (NM_001257234.2, NM_001257237.2, NM_001324293.1 and 1 more transcripts); c.596C>A, p.Pro199His (NM_001324292.2); short protein forms P121H, P199H, P95H.
Identifiers: ClinVar variation 3384517 (VCV003384517.1).